The following is an entry in ClinVar:

NM_000719.7(CACNA1C):c.3344A>G (p.Glu1115Gly)

Gene: CACNA1C (calcium voltage-gated channel subunit alpha1 C; plus strand). Cytogenetic location: 12p13.33.
Variant type: single nucleotide variant.
Coding change: c.3344A>G on transcript NM_000719.7 (MANE Select); coding-DNA position 3344, A replaced by G.
Protein change: p.Glu1115Gly; replaces glutamic acid 1115 with glycine.
Molecular consequence: missense variant.
Genome position (GRCh38, 1-based): chr12:2,607,118, A>G. VCF-style: chr12-2607118-A-G. GRCh37 (hg19) VCF-style: chr12-2716284-A-G.
Other names: c.3404A>G, p.Glu1135Gly (NM_001129827.2, NM_001129832.2, NM_199460.4); c.3344A>G, p.Glu1115Gly (NM_001129829.2, NM_001129830.3, NM_001129831.2 and 15 more transcripts); c.3335A>G, p.Glu1112Gly (NM_001129844.2); short protein forms E1135G, E1115G, E1112G.
Identifiers: ClinVar variation 456963 (VCV000456963.9), dbSNP rs1555882813, ClinGen allele CA383374995.

ClinVar aggregate classification (germline): Uncertain significance (1 of 4 stars; one submission).

Conditions:
Long QT syndrome (LQTS). Identifiers: MedGen C0023976, MeSH D008133, MONDO:0002442. Disease mechanism: loss of function. Inheritance: Various modes of inheritance.

Submission:

Labcorp Genetics (formerly Invitae), Labcorp
Classification: Uncertain significance for Long QT syndrome. Last evaluated: 2017-01-13. Review status: criteria provided, single submitter. Criteria: Invitae Variant Classification Sherloc (09022015). Collection method: clinical testing. Allele origin: germline.
Comment: This sequence change replaces glutamic acid with glycine at codon 1115 of the CACNA1C protein (p.Glu1115Gly). The glutamic acid residue is highly conserved and there is a moderate physicochemical difference between glutamic acid and glycine. This variant is not present in population databases (ExAC no frequency) and has not been reported in the literature in individuals with a CACNA1C-related disease. Algorithms developed to predict the effect of missense changes on protein structure and function do not agree on the potential impact of this missense change (SIFT: "Deleterious"; PolyPhen-2: "Probably Damaging"; Align-GVGD: "Class C0"). In summary, this variant is a novel missense change with uncertain impact on protein function. It has been classified as a Variant of Uncertain Significance.